The following is an entry in ClinVar:

ClinVar aggregate classification (germline): Likely benign. Review status: criteria provided, multiple submitters, no conflicts (2 of 4 stars). 5 submissions from 5 submitters: Likely benign (5). Last evaluated 2026-09-01.

Allele frequency attached by ClinVar (database versions not stated): ESP Exome Variant Server 0.00016; ExAC 0.00025; gnomAD exomes 0.00025 and 0.00030; gnomAD 0.00039 and 0.00041; TOPMed 0.00069.
gnomAD v4.1: 461 of 1,611,622 alleles (0.029%); highest among the groups gnomAD compares: Middle Eastern, 0.25%; 4 homozygotes.

Submissions (5):

CeGaT Center for Human Genetics Tuebingen
Classification: Likely benign. Last evaluated: 2026-09-01. Review status: criteria provided, single submitter. Criteria: CeGaT Center For Human Genetics Tuebingen Variant Classification Criteria Version 2. Collection method: clinical testing. Allele origin: germline. Affected: yes. Observed: 1 variant allele.
Comment: DOCK6: BP4, BP7

Labcorp Genetics (formerly Invitae), Labcorp
Classification: Likely benign. Last evaluated: 2026-01-11. Review status: criteria provided, single submitter. Criteria: Invitae Variant Classification Sherloc (09022015). Collection method: clinical testing. Allele origin: germline.

Women's Health and Genetics/Laboratory Corporation of America, LabCorp
Classification: Likely benign. Last evaluated: 2025-04-17. Review status: criteria provided, single submitter. Criteria: LabCorp Variant Classification Summary - May 2015. Collection method: clinical testing. Allele origin: germline.

Blueprint Genetics
Classification: Likely benign. Last evaluated: 2024-06-07. Review status: criteria provided, single submitter. Criteria: ACMG Guidelines, 2015. Collection method: clinical testing. Allele origin: germline.

Breakthrough Genomics
Classification: Likely benign. Review status: criteria provided, single submitter. Criteria: ACMG Guidelines, 2015. Collection method: not provided. Allele origin: germline. Inheritance: Autosomal recessive inheritance. Affected: yes.

NM_020812.4(DOCK6):c.4842C>T (p.Ala1614=)

Genes: DOCK6 (dedicator of cytokinesis 6; minus strand), DOCK6-AS1 (DOCK6 antisense RNA 1; plus strand). Cytogenetic location: 19p13.2.
Variant type: single nucleotide variant.
Coding change: c.4842C>T on transcript NM_020812.4 (MANE Select); coding-DNA position 4842, C replaced by T.
Protein change: p.Ala1614=; no amino-acid change (alanine 1614 retained).
Molecular consequence: synonymous variant.
Genome position (GRCh38, 1-based): chr19:11,209,013, G>A on the plus strand (C>T on the coding strand, the complement: DOCK6 is on the minus strand). VCF-style: chr19-11209013-G-A. GRCh37 (hg19) VCF-style: chr19-11319689-G-A.
Other names: c.4947C>T, p.Ala1649= (NM_001367830.1).
Identifiers: ClinVar variation 737053 (VCV000737053.14), dbSNP rs377330706, ClinGen allele CA9206720.
Genomic context (GRCh38, chr19:11,209,013, plus strand): 5'-GAGCAGGGCGAGGTACTCAGCCACGAGGGCGGCCGCGTGCACCATGCACTGGGCGGCCTC[G>A]GCGTGGTTGCCCAGCTCCGCGTGCTTCCCGGCCATGTTCTGCAACCAGGTCAGCCGAAGG-3'
Protein context (NP_065863.2, residues 1604-1624): AGKHAELGNH[Ala1614=]EAAQCMVHAA